The following is an entry in ClinVar:

ClinVar aggregate classification (germline): Benign (1 of 4 stars; one submission).

Allele frequency attached by ClinVar (database versions not stated): gnomAD exomes 0.63365; gnomAD 0.69074 and 0.69453; 1000 Genomes Project 0.69249; TOPMed 0.69717; 1000 Genomes Project 30x 0.69878.
gnomAD v4.1: 1,010,403 of 1,579,540 alleles (64%); highest among the groups gnomAD compares: African/African-American, 83%; 325,928 homozygotes.

Submission:

GeneDx
Classification: Benign. Last evaluated: 2018-06-13. Review status: criteria provided, single submitter. Criteria: GeneDx Variant Classification (06012015). Collection method: clinical testing. Allele origin: germline. Affected: yes.
Comment: This variant is considered likely benign or benign based on one or more of the following criteria: it is a conservative change, it occurs at a poorly conserved position in the protein, it is predicted to be benign by multiple in silico algorithms, and/or has population frequency not consistent with disease.

NM_004415.4(DSP):c.2298-85C>T

Gene: DSP (desmoplakin; plus strand). Cytogenetic location: 6p24.3.
Variant type: single nucleotide variant.
Coding change: c.2298-85C>T on transcript NM_004415.4 (MANE Select); 85 bases into the intron before coding-DNA position 2298, C replaced by T.
Molecular consequence: intron variant.
Genome position (GRCh38, 1-based): chr6:7,574,572, C>T. VCF-style: chr6-7574572-C-T. GRCh37 (hg19) VCF-style: chr6-7574805-C-T.
Other names: c.2298-85C>T (NM_001319034.2, NM_001008844.3).
Identifiers: ClinVar variation 672134 (VCV000672134.1), dbSNP rs2259208, ClinGen allele CA12287838.
Genomic context (GRCh38, chr6:7,574,572, plus strand): 5'-CTGAATCACAATAGACCAAAAAACAGACAAAATAAATTTTTATCTGCTTTGACGTTGTTC[C>T]CTTTCATTACTAGCTGTGAGAGGCAAATCTTCACAGACTAATTATGTCACTGGCAATTTT-3'